The following is an entry in ClinVar:

ClinVar aggregate classification (germline): Likely benign. Review status: criteria provided, multiple submitters, no conflicts (2 of 4 stars). 2 submissions from 2 submitters: Likely benign (2). Last evaluated 2022-10-12.

Conditions:
Charcot-Marie-Tooth disease type 2. Also called: Charcot-Marie-Tooth type 2. Identifiers: Orphanet 64746, MedGen C0270914, MONDO:0018993.

Allele frequency attached by ClinVar (database versions not stated): gnomAD 0.00001.
gnomAD v4.1: 8 of 1,613,830 alleles (0.0005%); highest among the groups gnomAD compares: East Asian, 0.0067%; no homozygotes.

Submissions (2):

Labcorp Genetics (formerly Invitae), Labcorp
Classification: Likely benign for Charcot-Marie-Tooth disease type 2. Last evaluated: 2022-10-12. Review status: criteria provided, single submitter. Criteria: Invitae Variant Classification Sherloc (09022015). Collection method: clinical testing. Allele origin: germline.

GeneDx
Classification: Likely benign. Last evaluated: 2017-05-11. Review status: criteria provided, single submitter. Criteria: GeneDx Variant Classification (06012015). Collection method: clinical testing. Allele origin: germline. Affected: yes.
Comment: This variant is considered likely benign or benign based on one or more of the following criteria: it is a conservative change, it occurs at a poorly conserved position in the protein, it is predicted to be benign by multiple in silico algorithms, and/or has population frequency not consistent with disease.

NM_001122955.4(BSCL2):c.1234+19C>T

Genes: BSCL2 (BSCL2 lipid droplet biogenesis associated, seipin; minus strand), HNRNPUL2-BSCL2 (HNRNPUL2-BSCL2 readthrough (NMD candidate); minus strand). Cytogenetic location: 11q12.3.
Variant type: single nucleotide variant.
Coding change: c.1234+19C>T on transcript NM_001122955.4 (MANE Select); 19 bases into the intron after coding-DNA position 1234, C replaced by T.
Molecular consequence: intron variant.
Genome position (GRCh38, 1-based): chr11:62,690,593, G>A on the plus strand (C>T on the coding strand, the complement: BSCL2 is on the minus strand). VCF-style: chr11-62690593-G-A. GRCh37 (hg19) VCF-style: chr11-62458065-G-A.
Other names: c.*36+19C>T (NM_001130702.2); c.1042+19C>T (NM_032667.6); c.1234+19C>T (NM_001386028.1); c.1240+19C>T (NM_001386027.1).
Identifiers: ClinVar variation 509502 (VCV000509502.5), dbSNP rs748453195, ClinGen allele CA6053281.